The following is an entry in ClinVar:

NM_032409.3(PINK1):c.1065A>G (p.Gln355=)

Genes: PINK1 (PTEN induced kinase 1; plus strand), PINK1-AS (PINK1 antisense RNA; minus strand). Cytogenetic location: 1p36.12.
Variant type: single nucleotide variant.
Coding change: c.1065A>G on transcript NM_032409.3 (MANE Select); coding-DNA position 1065, A replaced by G.
Protein change: p.Gln355=; no amino-acid change (glutamine 355 retained).
Molecular consequence: synonymous variant. On other transcripts: non-coding transcript variant (1).
Genome position (GRCh38, 1-based): chr1:20,645,665, A>G. VCF-style: chr1-20645665-A-G. GRCh37 (hg19) VCF-style: chr1-20972158-A-G.
Identifiers: ClinVar variation 859181 (VCV000859181.44), dbSNP rs370470902, ClinGen allele CA660678.

ClinVar aggregate classification (germline): Conflicting classifications of pathogenicity. Review status: criteria provided, conflicting classifications (1 of 4 stars). 4 submissions from 4 submitters: Uncertain significance (1); Likely benign (3). Last evaluated 2025-11-26.

Conditions:
PINK1-related disorder. Also called: PINK1-related condition.
Autosomal recessive early-onset Parkinson disease 6 (PARK6). Also called: PINK1-Related Parkinson Disease; PARKINSON DISEASE 6, MODIFIER OF; PARKINSON DISEASE 6, EARLY-ONSET; PINK1 Type of Young-Onset Parkinson Disease. Identifiers: Orphanet 2828, MedGen C1853833, MONDO:0011613, OMIM 605909.

Allele frequency attached by ClinVar (database versions not stated): gnomAD 0.00005; ExAC 0.00007; gnomAD exomes 0.00008 and 0.00020; TOPMed 0.00009; ESP Exome Variant Server 0.00015.
gnomAD v4.1: 289 of 1,613,968 alleles (0.018%); highest among the groups gnomAD compares: Non-Finnish European, 0.024%; no homozygotes.

Submissions (4):

PreventionGenetics, part of Exact Sciences
Classification: Likely benign for PINK1-related condition. Last evaluated: 2025-11-26. Review status: criteria provided, single submitter. Criteria: ACMG Guidelines, 2015. Collection method: clinical testing. Allele origin: germline.
Comment: This variant is classified as likely benign based on ACMG/AMP sequence variant interpretation guidelines (Richards et al. 2015 PMID: 25741868, with internal and published modifications).

Labcorp Genetics (formerly Invitae), Labcorp
Classification: Likely benign for Autosomal recessive early-onset Parkinson disease 6. Last evaluated: 2025-07-07. Review status: criteria provided, single submitter. Criteria: Invitae Variant Classification Sherloc (09022015). Collection method: clinical testing. Allele origin: germline.

CeGaT Center for Human Genetics Tuebingen
Classification: Likely benign. Last evaluated: 2023-07-01. Review status: criteria provided, single submitter. Criteria: CeGaT Center For Human Genetics Tuebingen Variant Classification Criteria Version 2. Collection method: clinical testing. Allele origin: germline. Affected: yes. Observed: 3 variant alleles.
Comment: PINK1: BP4, BP7

Illumina Laboratory Services, Illumina
Classification: Uncertain significance for Autosomal recessive early-onset Parkinson disease 6. Last evaluated: 2018-01-13. Review status: criteria provided, single submitter. Criteria: ICSL Variant Classification Criteria 13 December 2019. Collection method: clinical testing. Allele origin: germline.